The following is an entry in ClinVar:

ClinVar aggregate classification (germline): Uncertain significance (1 of 4 stars; one submission).

Submission:

Ambry Genetics
Classification: Uncertain significance. Last evaluated: 2024-04-17. Review status: criteria provided, single submitter. Criteria: Ambry Variant Classification Scheme 2023. Collection method: clinical testing. Allele origin: germline.
Comment: The p.S2569Y variant (also known as c.7706C>A), located in coding exon 30 of the POLQ gene, results from a C to A substitution at nucleotide position 7706. The serine at codon 2569 is replaced by tyrosine, an amino acid with dissimilar properties. This amino acid position is conserved. In addition, the in silico prediction for this alteration is inconclusive. Based on the available evidence, the clinical significance of this variant remains unclear.

NM_199420.4(POLQ):c.7706C>A (p.Ser2569Tyr)

Gene: POLQ (DNA polymerase theta; minus strand). Cytogenetic location: 3q13.33.
Variant type: single nucleotide variant.
Coding change: c.7706C>A on transcript NM_199420.4 (MANE Select); coding-DNA position 7706, C replaced by A.
Protein change: p.Ser2569Tyr; replaces serine 2569 with tyrosine.
Molecular consequence: missense variant.
Genome position (GRCh38, 1-based): chr3:121,432,371, G>T on the plus strand (C>A on the coding strand, the complement: POLQ is on the minus strand). VCF-style: chr3-121432371-G-T. GRCh37 (hg19) VCF-style: chr3-121151218-G-T.
Other names: short protein forms S2569Y.
Identifiers: ClinVar variation 3308635 (VCV003308635.1).